The following is an entry in ClinVar:

NM_003900.5(SQSTM1):c.1265A>G (p.Tyr422Cys)

Gene: SQSTM1 (sequestosome 1; plus strand). Cytogenetic location: 5q35.3.
Variant type: single nucleotide variant.
Coding change: c.1265A>G on transcript NM_003900.5 (MANE Select); coding-DNA position 1265, A replaced by G.
Protein change: p.Tyr422Cys; replaces tyrosine 422 with cysteine.
Molecular consequence: missense variant.
Genome position (GRCh38, 1-based): chr5:179,836,535, A>G. VCF-style: chr5-179836535-A-G. GRCh37 (hg19) VCF-style: chr5-179263535-A-G.
Other names: c.1013A>G, p.Tyr338Cys (NM_001142298.2, NM_001142299.2); short protein forms Y338C, Y422C.
Identifiers: ClinVar variation 1506858 (VCV001506858.6), dbSNP rs1471403162, ClinGen allele CA362454214.
Genomic context (GRCh38, chr5:179,836,535, plus strand): 5'-TGTCCATGGGCTTCTCTGATGAAGGCGGCTGGCTCACCAGGCTCCTGCAGACCAAGAACT[A>G]TGACATCGGAGCGGCTCTGGACACCATCCAGTATTCAAAGCATCCCCCGCCGTTGTGACC-3'
Protein context (NP_003891.1, residues 412-432): WLTRLLQTKN[Tyr422Cys]DIGAALDTIQ

ClinVar aggregate classification (germline): Uncertain significance (1 of 4 stars; one submission).

Conditions:
Paget disease of bone 2, early-onset (PDB2). Also called: Paget disease of bone 2. Identifiers: MedGen C4085251, MONDO:0011183, OMIM 602080.
Frontotemporal dementia and/or amyotrophic lateral sclerosis 1 (FTDALS1). Also called: C9orf72 Frontotemporal Dementia and/or Amyotrophic Lateral Sclerosis; Frontotemporal dementia with motor neuron disease 1. Identifiers: Orphanet 275872, MedGen C5779877, MONDO:0007105, OMIM 105550.

Allele frequency attached by ClinVar (database versions not stated): gnomAD exomes below 0.00001; gnomAD 0.00001; TOPMed 0.00001.
gnomAD v4.1: 5 of 1,614,026 alleles (0.00031%); highest among the groups gnomAD compares: Non-Finnish European, 0.00042%; no homozygotes.

Submission:

Labcorp Genetics (formerly Invitae), Labcorp
Classification: Uncertain significance for Paget disease of bone 2, early-onset; Frontotemporal dementia and/or amyotrophic lateral sclerosis 1. Last evaluated: 2022-04-03. Review status: criteria provided, single submitter. Criteria: Invitae Variant Classification Sherloc (09022015). Collection method: clinical testing. Allele origin: germline.
Comment: In summary, the available evidence is currently insufficient to determine the role of this variant in disease. Therefore, it has been classified as a Variant of Uncertain Significance. Algorithms developed to predict the effect of missense changes on protein structure and function (SIFT, PolyPhen-2, Align-GVGD) all suggest that this variant is likely to be tolerated. This variant has not been reported in the literature in individuals affected with SQSTM1-related conditions. This variant is present in population databases (no rsID available, gnomAD 0.007%). This sequence change replaces tyrosine, which is neutral and polar, with cysteine, which is neutral and slightly polar, at codon 422 of the SQSTM1 protein (p.Tyr422Cys).